The following is an entry in ClinVar:

ClinVar aggregate classification (germline): Benign. Review status: criteria provided, multiple submitters, no conflicts (2 of 4 stars). 2 submissions from 2 submitters: Benign (2). Last evaluated 2018-01-13.

Conditions:
Gamma-aminobutyric acid transaminase deficiency (GABATD). Also called: GABA aminotransaminase deficiency; GABA transaminase deficiency; Gamma aminobutyrate transaminase deficiency; 4 alpha aminobutyrate transaminase deficiency. Identifiers: Orphanet 2066, MedGen C0342708, MONDO:0013166, OMIM 613163.

Allele frequency attached by ClinVar (database versions not stated): TOPMed 0.90288; 1000 Genomes Project 30x 0.90553; 1000 Genomes Project 0.90815; gnomAD 0.92763; gnomAD exomes 1.00000.
gnomAD v4.1: 139,268 of 152,072 alleles (92%); highest among the groups gnomAD compares: East Asian, 98%; 64,059 homozygotes.

Submissions (2):

Illumina Laboratory Services, Illumina
Classification: Benign for Gamma-aminobutyric acid transaminase deficiency. Last evaluated: 2018-01-13. Review status: criteria provided, single submitter. Criteria: ICSL Variant Classification Criteria 13 December 2019. Collection method: clinical testing. Allele origin: germline.
Comment: This variant was observed in the ICSL laboratory as part of a predisposition screen in an ostensibly healthy population. It had not been previously curated by ICSL or reported in the Human Gene Mutation Database (HGMD: prior to June 1st, 2018), and was therefore a candidate for classification through an automated scoring system. Utilizing variant allele frequency, disease prevalence and penetrance estimates, and inheritance mode, an automated score was calculated to assess if this variant is too frequent to cause the disease. Based on the score and internal cut-off values, a variant classified as benign is not then subjected to further curation. The score for this variant resulted in a classification of benign for this disease.

Breakthrough Genomics
Classification: Benign. Review status: criteria provided, single submitter. Criteria: ACMG Guidelines, 2015. Collection method: not provided. Allele origin: germline. Inheritance: Autosomal recessive inheritance. Affected: yes.

NM_020686.6(ABAT):c.*1933T>C

Gene: ABAT (4-aminobutyrate aminotransferase; plus strand). Cytogenetic location: 16p13.2.
Variant type: single nucleotide variant.
Coding change: c.*1933T>C on transcript NM_020686.6 (MANE Select); 1933 bases downstream of the stop codon, T replaced by C.
Molecular consequence: 3 prime UTR variant.
Genome position (GRCh38, 1-based): chr16:8,783,363, T>C. VCF-style: chr16-8783363-T-C. GRCh37 (hg19) VCF-style: chr16-8877220-T-C.
Other names: c.*1933T>C (NM_000663.5, NM_001127448.2, NM_001386600.1 and 14 more transcripts); c.*1947T>C (NM_001386609.1, NM_001386616.1).
Identifiers: ClinVar variation 321134 (VCV000321134.6), dbSNP rs4985036, ClinGen allele CA10648242.